The following is an entry in ClinVar:

ClinVar aggregate classification (germline): Uncertain significance (1 of 4 stars; one submission).

Conditions:
DNA ligase IV deficiency. Identifiers: Orphanet 99812, MedGen C1847827, MONDO:0011686, OMIM 606593.

Allele frequency attached by ClinVar (database versions not stated): ESP Exome Variant Server 0.00008; TOPMed 0.00008.
gnomAD v4.1: 24 of 1,613,234 alleles (0.0015%); highest among the groups gnomAD compares: African/African-American, 0.021%; no homozygotes.

Submission:

Labcorp Genetics (formerly Invitae), Labcorp
Classification: Uncertain significance for DNA ligase IV deficiency. Last evaluated: 2024-04-25. Review status: criteria provided, single submitter. Criteria: Invitae Variant Classification Sherloc (09022015). Collection method: clinical testing. Allele origin: germline.
Comment: This sequence change replaces isoleucine, which is neutral and non-polar, with phenylalanine, which is neutral and non-polar, at codon 888 of the LIG4 protein (p.Ile888Phe). This variant is present in population databases (rs148711190, gnomAD 0.03%). This variant has not been reported in the literature in individuals affected with LIG4-related conditions. ClinVar contains an entry for this variant (Variation ID: 1022060). Advanced modeling of protein sequence and biophysical properties (such as structural, functional, and spatial information, amino acid conservation, physicochemical variation, residue mobility, and thermodynamic stability) has been performed at Invitae for this missense variant, however the output from this modeling did not meet the statistical confidence thresholds required to predict the impact of this variant on LIG4 protein function. In summary, the available evidence is currently insufficient to determine the role of this variant in disease. Therefore, it has been classified as a Variant of Uncertain Significance.

NM_206937.2(LIG4):c.2662A>T (p.Ile888Phe)

Gene: LIG4 (DNA ligase 4; minus strand). Cytogenetic location: 13q33.3.
Variant type: single nucleotide variant.
Coding change: c.2662A>T on transcript NM_206937.2 (MANE Select); coding-DNA position 2662, A replaced by T.
Protein change: p.Ile888Phe; replaces isoleucine 888 with phenylalanine.
Molecular consequence: missense variant.
Genome position (GRCh38, 1-based): chr13:108,208,607, T>A on the plus strand (A>T on the coding strand, the complement: LIG4 is on the minus strand). VCF-style: chr13-108208607-T-A. GRCh37 (hg19) VCF-style: chr13-108860955-T-A.
Other names: c.2662A>T, p.Ile888Phe (NM_001098268.2, NM_001352598.2, NM_001352599.2 and 6 more transcripts); c.2461A>T, p.Ile821Phe (NM_001330595.2); c.2698A>T, p.Ile900Phe (NM_001352604.2); short protein forms I821F, I888F, I900F.
Identifiers: ClinVar variation 1022060 (VCV001022060.7), dbSNP rs148711190, ClinGen allele CA7043447.